The following is an entry in ClinVar:

NM_006277.3(ITSN2):c.4107G>A (p.Pro1369=)

Gene: ITSN2 (intersectin 2; minus strand). Cytogenetic location: 2p23.3.
Variant type: single nucleotide variant.
Coding change: c.4107G>A on transcript NM_006277.3 (MANE Select); coding-DNA position 4107, G replaced by A.
Protein change: p.Pro1369=; no amino-acid change (proline 1369 retained).
Molecular consequence: synonymous variant.
Genome position (GRCh38, 1-based): chr2:24,210,930, C>T on the plus strand (G>A on the coding strand, the complement: ITSN2 is on the minus strand). VCF-style: chr2-24210930-C-T. GRCh37 (hg19) VCF-style: chr2-24433799-C-T.
Other names: c.4065G>A, p.Pro1355= (NM_001348181.2); c.3987G>A, p.Pro1329= (NM_001348182.2); c.4026G>A, p.Pro1342= (NM_019595.4).
Identifiers: ClinVar variation 3041151 (VCV003041151.2), dbSNP rs111712240, ClinGen allele CA1550686.

ClinVar aggregate classification (germline): Benign (0 of 4 stars; one submission).

Conditions:
ITSN2-related disorder. Also called: ITSN2-related condition.

Allele frequency attached by ClinVar (database versions not stated): ExAC 0.00207; 1000 Genomes Project 30x 0.00390; 1000 Genomes Project 0.00419; ESP Exome Variant Server 0.00477.
gnomAD v4.1: 1,894 of 1,614,172 alleles (0.12%); highest among the groups gnomAD compares: African/African-American, 1.2%; 11 homozygotes.

Submission:

PreventionGenetics, part of Exact Sciences
Classification: Benign for ITSN2-related condition. Last evaluated: 2019-10-28. Review status: no assertion criteria provided. Collection method: clinical testing. Allele origin: germline.
Comment: This variant is classified as benign based on ACMG/AMP sequence variant interpretation guidelines (Richards et al. 2015 PMID: 25741868, with internal and published modifications).